The following is an entry in ClinVar:

NM_182961.4(SYNE1):c.7045C>T (p.Leu2349Phe)

Gene: SYNE1 (spectrin repeat containing nuclear envelope protein 1; minus strand). Cytogenetic location: 6q25.2.
Variant type: single nucleotide variant.
Coding change: c.7045C>T on transcript NM_182961.4 (MANE Select); coding-DNA position 7045, C replaced by T.
Protein change: p.Leu2349Phe; replaces leucine 2349 with phenylalanine.
Molecular consequence: missense variant.
Genome position (GRCh38, 1-based): chr6:152,399,808, G>A on the plus strand (C>T on the coding strand, the complement: SYNE1 is on the minus strand). VCF-style: chr6-152399808-G-A. GRCh37 (hg19) VCF-style: chr6-152720943-G-A.
Other names: c.7066C>T, p.Leu2356Phe (NM_033071.5); short protein forms L2356F, L2349F.
Identifiers: ClinVar variation 283203 (VCV000283203.28), dbSNP rs370016934, ClinGen allele CA4057926.

ClinVar aggregate classification (germline): Conflicting classifications of pathogenicity. Review status: criteria provided, conflicting classifications (1 of 4 stars). 9 submissions from 8 submitters: Uncertain significance (8); Likely benign (1). Last evaluated 2026-06-01.

Conditions:
Autosomal recessive ataxia, Beauce type. Also called: ATAXIA, RECESSIVE, OF BEAUCE; Spinocerebellar ataxia, autosomal recessive 8; SYNE1-Related Autosomal Recessive Cerebellar Ataxia; SYNE1 Deficiency. Identifiers: Orphanet 88644, MedGen C1853116, MONDO:0012549, OMIM 610743.
Emery-Dreifuss muscular dystrophy 4, autosomal dominant (EDMD4). Also called: EMERY-DREIFUSS MUSCULAR DYSTROPHY 4 WITH VARIABLE FEATURES. Identifiers: Orphanet 261, MedGen C2751807, MONDO:0013071, OMIM 612998.

Allele frequency attached by ClinVar (database versions not stated): ESP Exome Variant Server 0.00008; ExAC 0.00010; gnomAD exomes 0.00011 and 0.00021; TOPMed 0.00016; gnomAD 0.00019.
gnomAD v4.1: 352 of 1,613,924 alleles (0.022%); highest among the groups gnomAD compares: Non-Finnish European, 0.026%; no homozygotes.

Submissions (9):

CeGaT Center for Human Genetics Tuebingen
Classification: Uncertain significance. Last evaluated: 2026-06-01. Review status: criteria provided, single submitter. Criteria: CeGaT Center For Human Genetics Tuebingen Variant Classification Criteria Version 2. Collection method: clinical testing. Allele origin: germline. Affected: yes. Observed: 3 variant alleles.
Comment: SYNE1: PM2

Blueprint Genetics
Classification: Uncertain significance. Last evaluated: 2024-10-23. Review status: criteria provided, single submitter. Criteria: ACMG Guidelines, 2015. Collection method: clinical testing. Allele origin: germline.

GeneDx
Classification: Uncertain significance. Last evaluated: 2024-03-05. Review status: criteria provided, single submitter. Criteria: GeneDx Variant Classification Process June 2021. Collection method: clinical testing. Allele origin: germline. Affected: yes.
Comment: Previously reported as a variant of uncertain significance in an individual with a mitochondrial respiratory chain disease, who harbored an additional SYNE1 variant; however, segregation analysis and detailed clinical information was not provided (PMID: 27812541); In silico analysis supports that this missense variant does not alter protein structure/function; This variant is associated with the following publications: (PMID: 27812541)

Revvity Omics, Revvity
Classification: Uncertain significance. Last evaluated: 2023-06-08. Review status: criteria provided, single submitter. Criteria: ACMG Guidelines, 2015. Collection method: clinical testing. Allele origin: germline.

Labcorp Genetics (formerly Invitae), Labcorp
Classification: Uncertain significance for Emery-Dreifuss muscular dystrophy 4, autosomal dominant; Autosomal recessive ataxia, Beauce type. Last evaluated: 2022-07-30. Review status: criteria provided, single submitter. Criteria: Invitae Variant Classification Sherloc (09022015). Collection method: clinical testing. Allele origin: germline.
Comment: This sequence change replaces leucine, which is neutral and non-polar, with phenylalanine, which is neutral and non-polar, at codon 2356 of the SYNE1 protein (p.Leu2356Phe). This variant is present in population databases (rs370016934, gnomAD 0.09%). This variant has not been reported in the literature in individuals affected with SYNE1-related conditions. ClinVar contains an entry for this variant (Variation ID: 283203). Algorithms developed to predict the effect of missense changes on protein structure and function are either unavailable or do not agree on the potential impact of this missense change (SIFT: "Deleterious"; PolyPhen-2: "Possibly Damaging"; Align-GVGD: "Class C15"). In summary, the available evidence is currently insufficient to determine the role of this variant in disease. Therefore, it has been classified as a Variant of Uncertain Significance.

Athena Diagnostics
Classification: Uncertain significance. Last evaluated: 2018-09-14. Review status: criteria provided, single submitter. Criteria: Athena Diagnostics Criteria. Collection method: clinical testing. Allele origin: germline.

Eurofins Ntd Llc (ga)
Classification: Uncertain significance. Last evaluated: 2018-04-24. Review status: criteria provided, single submitter. Criteria: EGL ClinVar v180209 classification definitions. Collection method: clinical testing. Allele origin: germline. Observed: 5 variant alleles, 5 heterozygotes.

Illumina Laboratory Services, Illumina
Classification: Likely benign for Emery-Dreifuss muscular dystrophy 4, autosomal dominant. Last evaluated: 2018-01-12. Review status: criteria provided, single submitter. Criteria: ICSL Variant Classification Criteria 13 December 2019. Collection method: clinical testing. Allele origin: germline.
Comment: This variant was observed in the ICSL laboratory as part of a predisposition screen in an ostensibly healthy population. It had not been previously curated by ICSL or reported in the Human Gene Mutation Database (HGMD: prior to June 1st, 2018), and was therefore a candidate for classification through an automated scoring system. Utilizing variant allele frequency, disease prevalence and penetrance estimates, and inheritance mode, an automated score was calculated to assess if this variant is too frequent to cause the disease. Based on the score and internal cut-off values, a variant classified as likely benign is not then subjected to further curation. The score for this variant resulted in a classification of likely benign for this disease.

Illumina Laboratory Services, Illumina
Classification: Uncertain significance for Autosomal recessive ataxia, Beauce type. Last evaluated: 2018-01-12. Review status: criteria provided, single submitter. Criteria: ICSL Variant Classification Criteria 13 December 2019. Collection method: clinical testing. Allele origin: germline.